The following is an entry in ClinVar:

NM_001009944.3(PKD1):c.4525G>A (p.Glu1509Lys)

Gene: PKD1 (polycystin 1, transient receptor potential channel interacting; minus strand). Cytogenetic location: 16p13.3.
Variant type: single nucleotide variant.
Coding change: c.4525G>A on transcript NM_001009944.3 (MANE Select); coding-DNA position 4525, G replaced by A.
Protein change: p.Glu1509Lys; replaces glutamic acid 1509 with lysine.
Molecular consequence: missense variant.
Genome position (GRCh38, 1-based): chr16:2,110,642, C>T on the plus strand (G>A on the coding strand, the complement: PKD1 is on the minus strand). VCF-style: chr16-2110642-C-T. GRCh37 (hg19) VCF-style: chr16-2160643-C-T.
Other names: c.4525G>A, p.Glu1509Lys (NM_000296.4); short protein forms E1509K.
Identifiers: ClinVar variation 3354006 (VCV003354006.1).

ClinVar aggregate classification (germline): Uncertain significance (0 of 4 stars; one submission).

Conditions:
PKD1-related disorder. Also called: PKD1-related condition.

gnomAD v4.1: 23 of 1,610,050 alleles (0.0014%); highest among the groups gnomAD compares: Non-Finnish European, 0.0018%; no homozygotes.

Submission:

PreventionGenetics, part of Exact Sciences
Classification: Uncertain significance for PKD1-related condition. Last evaluated: 2024-08-15. Review status: no assertion criteria provided. Collection method: clinical testing. Allele origin: germline.
Comment: The PKD1 c.4525G>A variant is predicted to result in the amino acid substitution p.Glu1509Lys. To our knowledge, this variant has not been reported in the literature. This variant is reported in 0.0036% of alleles in individuals of European (Non-Finnish) descent in gnomAD. At this time, the clinical significance of this variant is uncertain due to the absence of conclusive functional and genetic evidence.